The following is an entry in ClinVar:

ClinVar aggregate classification (germline): Uncertain significance (1 of 4 stars; one submission).

Conditions:
WNT1-related disorder. Also called: WNT1-related condition.

Allele frequency attached by ClinVar (database versions not stated): gnomAD exomes below 0.00001.
gnomAD v4.1: 2 of 1,567,546 alleles (0.00013%); highest among the groups gnomAD compares: South Asian, 0.0012%; no homozygotes.

Submission:

PreventionGenetics, part of Exact Sciences
Classification: Uncertain significance for WNT1-related condition. Last evaluated: 2023-04-13. Review status: criteria provided, single submitter. Criteria: ACMG Guidelines, 2015. Collection method: clinical testing. Allele origin: germline.
Comment: The WNT1 c.823G>A variant is predicted to result in the amino acid substitution p.Glu275Lys. To our knowledge, this variant has not been reported in the literature or in a large population database, indicating this variant is rare. At this time, the clinical significance of this variant is uncertain due to the absence of conclusive functional and genetic evidence.

NM_005430.4(WNT1):c.823G>A (p.Glu275Lys)

Gene: WNT1 (Wnt family member 1; plus strand). Cytogenetic location: 12q13.12.
Variant type: single nucleotide variant.
Coding change: c.823G>A on transcript NM_005430.4 (MANE Select); coding-DNA position 823, G replaced by A.
Protein change: p.Glu275Lys; replaces glutamic acid 275 with lysine.
Molecular consequence: missense variant.
Genome position (GRCh38, 1-based): chr12:48,981,350, G>A. VCF-style: chr12-48981350-G-A. GRCh37 (hg19) VCF-style: chr12-49375133-G-A.
Other names: short protein forms E275K.
Identifiers: ClinVar variation 2633684 (VCV002633684.1), dbSNP rs2498948735, ClinGen allele CA384635735.